The following is an entry in ClinVar:

ClinVar aggregate classification (germline): Uncertain significance (1 of 4 stars; one submission).

Allele frequency attached by ClinVar (database versions not stated): ExAC 0.00001; TOPMed 0.00001; gnomAD exomes 0.00002.
gnomAD v4.1: 27 of 1,579,554 alleles (0.0017%); highest among the groups gnomAD compares: Middle Eastern, 0.083%; no homozygotes.

Submission:

Labcorp Genetics (formerly Invitae), Labcorp
Classification: Uncertain significance. Last evaluated: 2023-02-22. Review status: criteria provided, single submitter. Criteria: Invitae Variant Classification Sherloc (09022015). Collection method: clinical testing. Allele origin: germline.
Comment: In summary, the available evidence is currently insufficient to determine the role of this variant in disease. Therefore, it has been classified as a Variant of Uncertain Significance. This variant has not been reported in the literature in individuals affected with MYH7B-related conditions. This variant is present in population databases (rs763221220, gnomAD 0.01%). This sequence change creates a premature translational stop signal (p.Arg1641*) in the MYH7B gene. It is expected to result in an absent or disrupted protein product. However, the current clinical and genetic evidence is not sufficient to establish whether loss-of-function variants in MYH7B cause disease.

NM_020884.7(MYH7B):c.4795C>T (p.Arg1599Ter)

Gene: MYH7B (myosin heavy chain 7B; plus strand). Cytogenetic location: 20q11.22.
Variant type: single nucleotide variant.
Coding change: c.4795C>T on transcript NM_020884.7 (MANE Select); coding-DNA position 4795, C replaced by T.
Protein change: p.Arg1599Ter; replaces arginine 1599 with a stop codon.
Molecular consequence: nonsense.
Genome position (GRCh38, 1-based): chr20:35,000,306, C>T. VCF-style: chr20-35000306-C-T. GRCh37 (hg19) VCF-style: chr20-33588109-C-T.
Other names: short protein forms R1599*.
Identifiers: ClinVar variation 2992038 (VCV002992038.2), dbSNP rs763221220, ClinGen allele CA9828343.